The following is an entry in ClinVar:

NM_138694.4(PKHD1):c.10499A>G (p.Tyr3500Cys)

Gene: PKHD1 (PKHD1 ciliary IPT domain containing fibrocystin/polyductin; minus strand). Cytogenetic location: 6p12.3.
Variant type: single nucleotide variant.
Coding change: c.10499A>G on transcript NM_138694.4 (MANE Select); coding-DNA position 10499, A replaced by G.
Protein change: p.Tyr3500Cys; replaces tyrosine 3500 with cysteine.
Molecular consequence: missense variant.
Genome position (GRCh38, 1-based): chr6:51,659,627, T>C on the plus strand (A>G on the coding strand, the complement: PKHD1 is on the minus strand). VCF-style: chr6-51659627-T-C. GRCh37 (hg19) VCF-style: chr6-51524425-T-C.
Other names: short protein forms Y3500C.
Identifiers: ClinVar variation 3036319 (VCV003036319.3), dbSNP rs779520268, ClinGen allele CA3851063.

ClinVar aggregate classification (germline): Uncertain significance. Review status: criteria provided, single submitter (1 of 4 stars). 2 submissions from 2 submitters: Uncertain significance (1). 1 of the submissions does not count toward it. Last evaluated 2026-02-25.

Conditions:
PKHD1-related disorder. Also called: PKHD1-related condition.

Allele frequency attached by ClinVar (database versions not stated): gnomAD exomes below 0.00001; ExAC 0.00001; gnomAD 0.00001; TOPMed 0.00001.
gnomAD v4.1: 3 of 1,613,622 alleles (0.00019%); highest among the groups gnomAD compares: African/African-American, 0.004%; no homozygotes.

Submissions (2):

GeneDx
Classification: Uncertain significance. Last evaluated: 2026-02-25. Review status: criteria provided, single submitter. Criteria: GeneDx Variant Classification Process June 2021. Collection method: clinical testing. Allele origin: germline.
Comment: Not observed at significant frequency in large population cohorts (gnomAD); In silico analysis supports that this missense variant has a deleterious effect on protein structure/function; Has not been previously published as pathogenic or benign to our knowledge

PreventionGenetics, part of Exact Sciences
Classification: Uncertain significance for PKHD1-related condition. Last evaluated: 2024-02-27. Review status: no assertion criteria provided. Collection method: clinical testing. Allele origin: germline. Not counted in ClinVar's aggregate classification.
Comment: The PKHD1 c.10499A>G variant is predicted to result in the amino acid substitution p.Tyr3500Cys. To our knowledge, this variant has not been reported in the literature. This variant is reported in 0.0062% of alleles in individuals of African descent in gnomAD. At this time, the clinical significance of this variant is uncertain due to the absence of conclusive functional and genetic evidence.